The following is an entry in ClinVar:

NM_001457.4(FLNB):c.3724+36del

Gene: FLNB (filamin B; plus strand). Cytogenetic location: 3p14.3.
Variant type: Deletion.
Coding change: c.3724+36del on transcript NM_001457.4 (MANE Select); 36 bases into the intron after coding-DNA position 3724, one base deleted (A; older notation c.3724+36delA).
Molecular consequence: intron variant.
Genome position (GRCh38, 1-based): chr3:58,123,726, A deleted; the last of 23 consecutive A bases (chr3:58,123,704-58,123,726); deleting any one gives the same sequence. VCF-style (leftmost placement, unchanged base first): chr3-58123703-TA-T. GRCh37 (hg19) VCF-style: chr3-58109430-TA-T.
Other names: c.3724+36del (NM_001164317.2, NM_001164318.2, NM_001164319.2); c.3724+14delA (NM_001457.3).
Identifiers: ClinVar variation 346337 (VCV000346337.10), dbSNP rs56147140, ClinGen allele CA2468495.

ClinVar aggregate classification (germline): Benign/Likely benign. Review status: criteria provided, multiple submitters, no conflicts (2 of 4 stars). 3 submissions from 3 submitters: Benign (2); Likely benign (1). Last evaluated 2026-01-16.

Submissions (3):

Labcorp Genetics (formerly Invitae), Labcorp
Classification: Likely benign. Last evaluated: 2026-01-16. Review status: criteria provided, single submitter. Criteria: Invitae Variant Classification Sherloc (09022015). Collection method: clinical testing. Allele origin: germline.

Blueprint Genetics
Classification: Benign. Last evaluated: 2024-11-26. Review status: criteria provided, single submitter. Criteria: ACMG Guidelines, 2015. Collection method: clinical testing. Allele origin: germline.

GeneDx
Classification: Benign. Last evaluated: 2017-09-25. Review status: criteria provided, single submitter. Criteria: GeneDx Variant Classification (06012015). Collection method: clinical testing. Allele origin: germline. Affected: yes.
Comment: This variant is considered likely benign or benign based on one or more of the following criteria: it is a conservative change, it occurs at a poorly conserved position in the protein, it is predicted to be benign by multiple in silico algorithms, and/or has population frequency not consistent with disease.